The following is an entry in ClinVar:

ClinVar aggregate classification (germline): Uncertain significance (1 of 4 stars; one submission).

Conditions:
Neurodevelopmental disorder with hypotonia, brain anomalies, distinctive facies, and absent language. Also called: ReNU SYNDROME; RNU4-2-Related Neurodevelopmental Disorder; RNU4-2–Related Autosomal Dominant Neurodevelopmental Disorder. Identifiers: Orphanet 686488, MedGen C5935628, MONDO:0971172, OMIM 620851.

Submission:

Victorian Clinical Genetics Services, Murdoch Childrens Research Institute
Classification: Uncertain significance for Neurodevelopmental disorder with hypotonia, brain anomalies, distinctive facies, and absent language. Last evaluated: 2026-05-18. Review status: criteria provided, single submitter. Criteria: ACMG Guidelines, 2015. Collection method: clinical testing. Allele origin: germline. Affected: yes.
Comment: This variant is classified as VUS-3B. Evidence in support of pathogenic classification: Variant is present in gnomAD <0.01 (v4: 3 heterozygote(s), 0 homozygote(s)). Additional information: Non-coding variant without known or predicted effect; This variant is heterozygous; This gene is associated with both recessive and dominant disease (OMIM, PMIDs: 38991538, 41513982, 41951959, 41951737); Alternative nucleotide change(s) are present in gnomAD (highest alelle count: v4: 62 heterozygote(s), 0 homozygote(s)); This variant has no previous evidence of pathogenicity; No published evidence of segregation with disease has been identified for this variant; No published functional evidence has been identified for this variant; No comparable variants have previous evidence for pathogenicity; Variant is located in the annotated 3′ stem loop (PMIDs: 38991538, 41951959); Loss of function is a known mechanisms of disease in this gene and are associated with autosomal recessive neurodevelopmental disorder (MONDO:0700092), RNU4-2-related (PMIDs: 41951959, 41951737). Dominant negative or gain of function have been suggested as associated with autosomal dominant retinitis pigmentosa 102 (MIM#621560) (PMID: 41513982). The mechanism of disease for this gene is not clearly established for autosomal dominant ReNU syndrome (MIM#620851); Inheritance information for this variant is not currently available in this individual.

Literature cited by the submitters: PubMed 38991538; PubMed 41513982; PubMed 41951737; PubMed 41951959.

NR_003137.3(RNU4-2):n.88A>C

Genes: RNU4-2 (RNA, U4 small nuclear 2; minus strand), SIRT4 (sirtuin 4; plus strand). Cytogenetic location: 12q24.23.
Variant type: single nucleotide variant.
Molecular consequence: non-coding transcript variant (on NR_003137.3).
Genome position: GRCh38 VCF-style: chr12-120291816-T-G. GRCh37 (hg19) VCF-style: chr12-120729619-T-G.
Identifiers: ClinVar variation 4879801 (VCV004879801.1).
Genomic context (GRCh38, chr12:120,291,816, plus strand): 5'-AATTCAGTCTCCGTAGAGACTGTCAAAAATTGCCAATGCCGACTATATTTCAAGTCGTCA[T>G]GGCGGGGTATTGGGAAAAGTTTTCAATTAGCAATAATCGCGCCTCGGATAAACCTCATTG-3'